The following is an entry in ClinVar:

NM_014806.5(RUSC2):c.2843-1G>C

Gene: RUSC2 (RUN and SH3 domain containing 2; plus strand). Cytogenetic location: 9p13.3.
Variant type: single nucleotide variant.
Coding change: c.2843-1G>C on transcript NM_014806.5 (MANE Select); the canonical splice acceptor site of the intron before coding-DNA position 2843, G replaced by C.
Molecular consequence: splice acceptor variant.
Genome position (GRCh38, 1-based): chr9:35,556,307, G>C. VCF-style: chr9-35556307-G-C. GRCh37 (hg19) VCF-style: chr9-35556304-G-C.
Other names: c.209-1G>C (NM_001330740.2); c.2843-1G>C (NM_001135999.2).
Identifiers: ClinVar variation 1969307 (VCV001969307.5), dbSNP rs1372741759, ClinGen allele CA373345338.

ClinVar aggregate classification (germline): Likely pathogenic (1 of 4 stars; one submission).

Allele frequency attached by ClinVar (database versions not stated): gnomAD exomes below 0.00001.
gnomAD v4.1: 1 of 1,613,996 alleles (0.000062%); highest among the groups gnomAD compares: Non-Finnish European, 0.000085%; no homozygotes.

Submission:

Labcorp Genetics (formerly Invitae), Labcorp
Classification: Likely pathogenic. Last evaluated: 2022-04-01. Review status: criteria provided, single submitter. Criteria: Invitae Variant Classification Sherloc (09022015). Collection method: clinical testing. Allele origin: germline.
Comment: Algorithms developed to predict the effect of sequence changes on RNA splicing suggest that this variant may disrupt the consensus splice site. This variant has not been reported in the literature in individuals affected with RUSC2-related conditions. This variant is present in population databases (no rsID available, gnomAD 0.0009%). This sequence change affects an acceptor splice site in intron 4 of the RUSC2 gene. It is expected to disrupt RNA splicing. Variants that disrupt the donor or acceptor splice site typically lead to a loss of protein function (PMID: 16199547), and loss-of-function variants in RUSC2 are known to be pathogenic (PMID: 27612186). In summary, the currently available evidence indicates that the variant is pathogenic, but additional data are needed to prove that conclusively. Therefore, this variant has been classified as Likely Pathogenic.

Literature cited by the submitters: PubMed 16199547; PubMed 27612186.